The following is an entry in ClinVar:

ClinVar aggregate classification (germline): Uncertain significance (1 of 4 stars; one submission).

Conditions:
VPS13B-related disorder. Also called: VPS13B-related condition.

Submission:

PreventionGenetics, part of Exact Sciences
Classification: Uncertain significance for VPS13B-related condition. Last evaluated: 2025-02-07. Review status: criteria provided, single submitter. Criteria: ACMG Guidelines, 2015. Collection method: clinical testing. Allele origin: germline.
Comment: The VPS13B c.2936A>G variant is predicted to result in the amino acid substitution p.Gln979Arg. To our knowledge, this variant has not been reported in the literature or in a large population database (gnomAD), indicating this variant is rare. At this time, the clinical significance of this variant is uncertain due to the absence of conclusive functional and genetic evidence.

NM_152564.5(VPS13B):c.2936A>G (p.Gln979Arg)

Gene: VPS13B (vacuolar protein sorting 13 homolog B; plus strand). Cytogenetic location: 8q22.2.
Variant type: single nucleotide variant.
Coding change: c.2936A>G on transcript NM_152564.5 (MANE Select); coding-DNA position 2936, A replaced by G.
Protein change: p.Gln979Arg; replaces glutamine 979 with arginine.
Molecular consequence: missense variant.
Genome position (GRCh38, 1-based): chr8:99,391,558, A>G. VCF-style: chr8-99391558-A-G. GRCh37 (hg19) VCF-style: chr8-100403786-A-G.
Other names: c.2936A>G, p.Gln979Arg (NM_017890.5); short protein forms Q979R.
Identifiers: ClinVar variation 4997543 (VCV004997543.1).